The following is an entry in ClinVar:

ClinVar aggregate classification (germline): Likely benign. Review status: reviewed by expert panel (3 of 4 stars). 3 submissions from 3 submitters: Likely benign (1). 2 of the submissions do not count toward it. Last evaluated 2017-06-29.

Conditions:
Hereditary cancer-predisposing syndrome. Also called: Tumor predisposition; Hereditary neoplastic syndrome; Neoplastic Syndromes, Hereditary; Hereditary Cancer Syndrome. Identifiers: Orphanet 140162, MedGen C0027672, MeSH D009386, MONDO:0015356.
Hereditary breast ovarian cancer syndrome. Also called: Hereditary breast and ovarian cancer syndrome; Hereditary breast and ovarian cancer; Hereditary breast and ovarian cancer syndrome (HBOC); Breast and ovarian cancer; BRCA1- and BRCA2-Associated Hereditary Breast and Ovarian Cancer; Hereditary breast and/or ovarian cancer syndrome. Identifiers: Orphanet 145, MedGen C0677776, MeSH D061325, MONDO:0003582. Disease mechanism: loss of function.
Breast-ovarian cancer, familial, susceptibility to, 2 (BROVCA2). Also called: BRCA2 Hereditary Breast and Ovarian Cancer. Identifiers: Orphanet 145, MedGen C2675520, MONDO:0012933, OMIM 612555. Disease mechanism: loss of function.

Submissions (3):

Evidence-based Network for the Interpretation of Germline Mutant Alleles (ENIGMA)
Classification: Likely benign for Breast-ovarian cancer, familial, susceptibility to, 2. Last evaluated: 2017-06-29. Review status: reviewed by expert panel. Criteria: ENIGMA BRCA1/2 Classification Criteria (2017-06-29). Collection method: curation. Allele origin: germline.
Comment: Synonymous substitution variant, with low bioinformatic likelihood to result in a splicing aberration (Splicing prior probability 0.02).

Ambry Genetics
Classification: Likely benign for Hereditary cancer-predisposing syndrome. Last evaluated: 2016-03-31. Review status: criteria provided, single submitter. Criteria: Ambry Variant Classification Scheme 2023. Collection method: clinical testing. Allele origin: germline. Not counted in ClinVar's aggregate classification.

Labcorp Genetics (formerly Invitae), Labcorp
Classification: Likely benign for BRCA1 and BRCA2 Hereditary Breast and Ovarian Cancer. Last evaluated: 2014-11-06. Review status: no assertion criteria provided. Collection method: clinical testing. Allele origin: germline. Not counted in ClinVar's aggregate classification.

NM_000059.4(BRCA2):c.2211A>C (p.Ala737=)

Gene: BRCA2 (BRCA2 DNA repair associated; plus strand). Cytogenetic location: 13q13.1.
Variant type: single nucleotide variant.
Coding change: c.2211A>C on transcript NM_000059.4 (MANE Select); coding-DNA position 2211, A replaced by C.
Protein change: p.Ala737=; no amino-acid change (alanine 737 retained).
Molecular consequence: synonymous variant.
Genome position (GRCh38, 1-based): chr13:32,336,566, A>C. VCF-style: chr13-32336566-A-C. GRCh37 (hg19) VCF-style: chr13-32910703-A-C.
Identifiers: ClinVar variation 135793 (VCV000135793.7), dbSNP rs587780647, ClinGen allele CA014606.